The following is an entry in ClinVar:

NM_001267550.2(TTN):c.95126C>A (p.Pro31709His)

Genes: TTN (titin; minus strand), TTN-AS1 (TTN antisense RNA 1; plus strand). Cytogenetic location: 2q31.2.
Variant type: single nucleotide variant.
Coding change: c.95126C>A on transcript NM_001267550.2 (MANE Select); coding-DNA position 95126, C replaced by A.
Protein change: p.Pro31709His; replaces proline 31709 with histidine.
Molecular consequence: missense variant.
Genome position (GRCh38, 1-based): chr2:178,546,110, G>T on the plus strand (C>A on the coding strand, the complement: TTN is on the minus strand). VCF-style: chr2-178546110-G-T. GRCh37 (hg19) VCF-style: chr2-179410837-G-T.
Other names: c.90203C>A, p.Pro30068His (NM_001256850.1); c.67931C>A, p.Pro22644His (NM_003319.4); c.87422C>A, p.Pro29141His (NM_133378.4); c.68306C>A, p.Pro22769His (NM_133432.3); c.68507C>A, p.Pro22836His (NM_133437.4); short protein forms P31709H, P29141H, P30068H, P22644H, P22769H, P22836H.
Identifiers: ClinVar variation 283245 (VCV000283245.6), dbSNP rs869320739, ClinGen allele CA10604437.

ClinVar aggregate classification (germline): Uncertain significance. Review status: criteria provided, multiple submitters, no conflicts (2 of 4 stars). 2 submissions from 2 submitters: Uncertain significance (2). Last evaluated 2025-09-16.

Conditions:
Autosomal recessive limb-girdle muscular dystrophy type 2J (LGMDR10). Also called: Limb-girdle muscular dystrophy, type 2J; MUSCULAR DYSTROPHY, LIMB-GIRDLE, AUTOSOMAL RECESSIVE 10. Identifiers: Orphanet 140922, MedGen C1837342, MONDO:0012127, OMIM 608807.
Dilated cardiomyopathy 1G (CMD1G). Identifiers: Orphanet 154, MedGen C1858763, MONDO:0011400, OMIM 604145.

Submissions (2):

Labcorp Genetics (formerly Invitae), Labcorp
Classification: Uncertain significance for Dilated cardiomyopathy 1G; Autosomal recessive limb-girdle muscular dystrophy type 2J. Last evaluated: 2025-09-16. Review status: criteria provided, single submitter. Criteria: Invitae Variant Classification Sherloc (09022015). Collection method: clinical testing. Allele origin: germline.
Comment: This sequence change replaces proline, which is neutral and non-polar, with histidine, which is basic and polar, at codon 31709 of the TTN protein (p.Pro31709His). This variant is not present in population databases (gnomAD no frequency). This missense change has been observed in individual(s) with hereditary myopathy with early respiratory failure (PMID: 30666435). ClinVar contains an entry for this variant (Variation ID: 283245). Experimental studies and prediction algorithms are not available or were not evaluated, and the functional significance of this variant is currently unknown. This variant is located in the A band of TTN (PMID: 25589632). Variants in this region may be relevant for cardiac or neuromuscular disorders (PMID: 25589632, 23975875). In summary, the available evidence is currently insufficient to determine the role of this variant in disease. Therefore, it has been classified as a Variant of Uncertain Significance.

Eurofins Ntd Llc (ga)
Classification: Uncertain significance. Last evaluated: 2015-09-10. Review status: criteria provided, single submitter. Criteria: EGL Classification Definitions 2015. Collection method: clinical testing. Allele origin: germline. Observed: 1 variant allele, 1 heterozygote.

Literature cited by the submitters: PubMed 30666435 (cited by Labcorp Genetics (formerly Invitae), Labcorp); PubMed 25589632 (cited by Labcorp Genetics (formerly Invitae), Labcorp); PubMed 23975875 (cited by Labcorp Genetics (formerly Invitae), Labcorp).